The following is an entry in ClinVar:

NM_000169.3(GLA):c.134T>C (p.Leu45Pro)

Genes: GLA (galactosidase alpha; minus strand), RPL36A-HNRNPH2 (RPL36A-HNRNPH2 readthrough; plus strand). Cytogenetic location: Xq22.1.
Variant type: single nucleotide variant.
Coding change: c.134T>C on transcript NM_000169.3 (MANE Select); coding-DNA position 134, T replaced by C.
Protein change: p.Leu45Pro; replaces leucine 45 with proline.
Molecular consequence: missense variant. On other transcripts: non-coding transcript variant (3), intron variant (2).
Genome position (GRCh38, 1-based): chrX:101,407,770, A>G on the plus strand (T>C on the coding strand, the complement: GLA is on the minus strand). VCF-style: chrX-101407770-A-G. GRCh37 (hg19) VCF-style: chrX-100662758-A-G.
Other names: c.134T>C, p.Leu45Pro (NM_001406747.1, NM_001406748.1, NM_001406749.1); c.301-4166A>G (NM_001199973.2); c.178-4166A>G (NM_001199974.2); short protein forms L45P.
Identifiers: ClinVar variation 4087668 (VCV004087668.2).

ClinVar aggregate classification (germline): Pathogenic (1 of 4 stars; one submission).

Conditions:
Fabry disease. Also called: ALPHA-GALACTOSIDASE A DEFICIENCY; ANDERSON-FABRY DISEASE; CERAMIDE TRIHEXOSIDASE DEFICIENCY; GLA DEFICIENCY; HEREDITARY DYSTOPIC LIPIDOSIS; Angiokeratoma corporis diffusum. Identifiers: Orphanet 324, MedGen C0002986, MONDO:0010526, OMIM 301500, HP:0001071. Disease mechanism: Fabry disease is due to inactivating mutations in the X-linked GLA gene resulting in deficiency of the enzyme Alpha Galactosidase-A., loss of function.

Submission:

Genomenon, Inc
Classification: Pathogenic for Fabry disease. Last evaluated: 2026-09-08. Review status: criteria provided, single submitter. Criteria: Genomenon Sequence Variant Interpretation Standards - Updated. Collection method: curation. Allele origin: germline. Affected: yes.
Comment: GLA p.Leu45Pro (c.134T>C) is a missense variant that changes the amino acid at codon 45 from Leucine to Proline. This variant has been observed in at least one proband with clinical features consistent with Fabry disease (PMID:26415523;31649303;27676143;27265676;39980015). At least one functional study has demonstrated a substantial alteration in protein function relative to the wild-type (PMID:32023956;26415523;27657681). This variant is located in a mutational hotspot and/or important functional domain. It is absent or not present at a significant frequency in gnomAD. In silico models predict that this variant is possibly or probably damaging. In conclusion, we classify GLA p.Leu45Pro (c.134T>C) as a pathogenic variant.

Literature cited by the submitters: PubMed 26415523; PubMed 31649303; PubMed 27676143; PubMed 27265676; PubMed 39980015; PubMed 32023956; PubMed 27657681.